The following is an entry in ClinVar:

ClinVar aggregate classification (germline): Benign. Review status: criteria provided, multiple submitters, no conflicts (2 of 4 stars). 11 submissions from 11 submitters: Benign (8). 3 of the submissions do not count toward it. Last evaluated 2026-02-04.

Conditions:
Usher syndrome type 2C. Also called: Usher syndrome, type 2B; USHER SYNDROME, TYPE IIC. Identifiers: Orphanet 231178, Orphanet 886, MedGen C2931213, MONDO:0011558, OMIM 605472.

Allele frequency attached by ClinVar (database versions not stated): gnomAD exomes 0.13519 and 0.16594; ESP Exome Variant Server 0.13831; gnomAD 0.14695 and 0.15161; TOPMed 0.15038; ExAC 0.16627; 1000 Genomes Project 30x 0.21393; 1000 Genomes Project 0.22185.
gnomAD v4.1: 221,361 of 1,608,614 alleles (14%); highest among the groups gnomAD compares: East Asian, 38%; 17,421 homozygotes.

Submissions (11):

Labcorp Genetics (formerly Invitae), Labcorp
Classification: Benign. Last evaluated: 2026-02-04. Review status: criteria provided, single submitter. Criteria: Invitae Variant Classification Sherloc (09022015). Collection method: clinical testing. Allele origin: germline.

Genome-Nilou Lab
Classification: Benign for Usher syndrome type 2C. Last evaluated: 2021-08-10. Review status: criteria provided, single submitter. Criteria: ACMG Guidelines, 2015. Collection method: clinical testing. Allele origin: germline. Affected: no.

Mayo Clinic Laboratories, Mayo Clinic
Classification: Benign. Last evaluated: 2020-12-04. Review status: criteria provided, single submitter. Criteria: ACMG Guidelines, 2015. Collection method: clinical testing. Allele origin: germline. Observed: 42 variant alleles.

Mendelics
Classification: Benign for Usher syndrome type 2C. Last evaluated: 2019-05-28. Review status: criteria provided, single submitter. Criteria: Mendelics Assertion Criteria 2017. Collection method: clinical testing. Allele origin: unknown.

Illumina Laboratory Services, Illumina
Classification: Benign for Usher syndrome type 2C. Last evaluated: 2018-01-12. Review status: criteria provided, single submitter. Criteria: ICSL Variant Classification Criteria 13 December 2019. Collection method: clinical testing. Allele origin: germline.
Comment: This variant was observed in the ICSL laboratory as part of a predisposition screen in an ostensibly healthy population. It had not been previously curated by ICSL or reported in the Human Gene Mutation Database (HGMD: prior to June 1st, 2018), and was therefore a candidate for classification through an automated scoring system. Utilizing variant allele frequency, disease prevalence and penetrance estimates, and inheritance mode, an automated score was calculated to assess if this variant is too frequent to cause the disease. Based on the score and internal cut-off values, a variant classified as benign is not then subjected to further curation. The score for this variant resulted in a classification of benign for this disease.

GeneDx
Classification: Benign. Last evaluated: 2013-01-08. Review status: criteria provided, single submitter. Criteria: GeneDx Variant Classification (06012015). Collection method: clinical testing. Allele origin: germline. Affected: yes.
Comment: This variant is considered likely benign or benign based on one or more of the following criteria: it is a conservative change, it occurs at a poorly conserved position in the protein, it is predicted to be benign by multiple in silico algorithms, and/or has population frequency not consistent with disease.

Laboratory for Molecular Medicine, Mass General Brigham Personalized Medicine
Classification: Benign. Last evaluated: 2011-02-01. Review status: criteria provided, single submitter. Criteria: LMM Criteria. Collection method: clinical testing. Allele origin: germline. Observed: 488 variant alleles.
Comment: Gly3248Asp in exon 45 of GPR98: This variant is not expected to have clinical si gnificance because it is listed in dbSNP with a heterozygous frequency of 16-56% (rs16869032)

PreventionGenetics, part of Exact Sciences
Classification: Benign. Review status: criteria provided, single submitter. Criteria: ACMG Guidelines, 2015. Collection method: clinical testing. Allele origin: germline.

Diagnostic Laboratory, Department of Genetics, University Medical Center Groningen
Classification: Benign. Review status: no assertion criteria provided. Collection method: clinical testing. Allele origin: germline. Affected: yes. Study: VKGL Data-share Consensus. Not counted in ClinVar's aggregate classification.

Genetic Services Laboratory, University of Chicago
Classification: Likely benign. Review status: no assertion criteria provided. Collection method: clinical testing. Allele origin: germline. Inheritance: Autosomal dominant inheritance. Not counted in ClinVar's aggregate classification.
Comment: Likely benign based on allele frequency in 1000 Genomes Project or ESP global frequency and its presence in a patient with a rare or unrelated disease phenotype. NOT Sanger confirmed

Joint Genome Diagnostic Labs from Nijmegen and Maastricht, Radboudumc and MUMC+
Classification: Benign. Review status: no assertion criteria provided. Collection method: clinical testing. Allele origin: germline. Affected: yes. Study: VKGL Data-share Consensus. Not counted in ClinVar's aggregate classification.

NM_032119.4(ADGRV1):c.9743G>A (p.Gly3248Asp)

Gene: ADGRV1 (adhesion G protein-coupled receptor V1; plus strand). Cytogenetic location: 5q14.3.
Variant type: single nucleotide variant.
Coding change: c.9743G>A on transcript NM_032119.4 (MANE Select); coding-DNA position 9743, G replaced by A.
Protein change: p.Gly3248Asp; replaces glycine 3248 with aspartic acid.
Molecular consequence: missense variant. On other transcripts: non-coding transcript variant (1).
Genome position (GRCh38, 1-based): chr5:90,721,054, G>A. VCF-style: chr5-90721054-G-A. GRCh37 (hg19) VCF-style: chr5-90016871-G-A.
Other names: p.G3248D:GGC>GAC; short protein forms G3248D.
Identifiers: ClinVar variation 46407 (VCV000046407.30), dbSNP rs16869032, ClinGen allele CA138273.